The following is an entry in ClinVar:

NM_006214.4(PHYH):c.25_32del (p.Arg9fs)

Genes: PHYH (phytanoyl-CoA 2-hydroxylase; minus strand), LOC130003374 (ATAC-STARR-seq lymphoblastoid silent region 2152; plus strand). Cytogenetic location: 10p13.
Variant type: Deletion.
Coding change: c.25_32del on transcript NM_006214.4 (MANE Select); coding-DNA positions 25 to 32, 8 bases deleted (CGTCTGCA; older notation c.25_32delCGTCTGCA).
Protein change: p.Arg9fs; shifts the reading frame from arginine 9.
Molecular consequence: frameshift variant.
Genome position (GRCh38, 1-based): chr10:13,300,011-13,300,018, TGCAGACG deleted on the plus strand (CGTCTGCA on the coding strand, the reverse complement: PHYH is on the minus strand). VCF-style (leftmost placement, unchanged base first): chr10-13300010-CTGCAGACG-C. GRCh37 (hg19) VCF-style: chr10-13342010-CTGCAGACG-C.
Other names: c.25_32del, p.Arg9fs (NM_001323082.2, NM_001323083.2); short protein forms R9fs.
Identifiers: ClinVar variation 2856456 (VCV002856456.3), dbSNP rs2538670275, ClinGen allele CA2739265290.

ClinVar aggregate classification (germline): Pathogenic (1 of 4 stars; one submission).

Submission:

Labcorp Genetics (formerly Invitae), Labcorp
Classification: Pathogenic. Last evaluated: 2023-04-15. Review status: criteria provided, single submitter. Criteria: Invitae Variant Classification Sherloc (09022015). Collection method: clinical testing. Allele origin: germline.
Comment: This sequence change creates a premature translational stop signal (p.Arg9Aspfs*39) in the PHYH gene. It is expected to result in an absent or disrupted protein product. Loss-of-function variants in PHYH are known to be pathogenic (PMID: 9326940, 14974078). This variant is not present in population databases (gnomAD no frequency). This variant has not been reported in the literature in individuals affected with PHYH-related conditions. For these reasons, this variant has been classified as Pathogenic.

Literature cited by the submitters: PubMed 9326940; PubMed 14974078.